The following is an entry in ClinVar:

ClinVar aggregate classification (germline): Uncertain significance (1 of 4 stars; one submission).

Conditions:
Combined immunodeficiency due to LRBA deficiency. Also called: Common variable immunodeficiency 8, with autoimmunity. Identifiers: Orphanet 445018, MedGen C3553512, MONDO:0013863, OMIM 614700.

Submission:

Labcorp Genetics (formerly Invitae), Labcorp
Classification: Uncertain significance for Combined immunodeficiency due to LRBA deficiency. Last evaluated: 2021-12-25. Review status: criteria provided, single submitter. Criteria: Invitae Variant Classification Sherloc (09022015). Collection method: clinical testing. Allele origin: germline.
Comment: This variant has not been reported in the literature in individuals affected with LRBA-related conditions. This sequence change replaces serine, which is neutral and polar, with proline, which is neutral and non-polar, at codon 1642 of the LRBA protein (p.Ser1642Pro). This variant is not present in population databases (gnomAD no frequency). Algorithms developed to predict the effect of missense changes on protein structure and function (SIFT, PolyPhen-2, Align-GVGD) all suggest that this variant is likely to be tolerated. In summary, the available evidence is currently insufficient to determine the role of this variant in disease. Therefore, it has been classified as a Variant of Uncertain Significance.

NM_001364905.1(LRBA):c.4924T>C (p.Ser1642Pro)

Gene: LRBA (LPS responsive beige-like anchor protein; minus strand). Cytogenetic location: 4q31.3.
Variant type: single nucleotide variant.
Coding change: c.4924T>C on transcript NM_001364905.1 (MANE Select); coding-DNA position 4924, T replaced by C.
Protein change: p.Ser1642Pro; replaces serine 1642 with proline.
Molecular consequence: missense variant.
Genome position (GRCh38, 1-based): chr4:150,828,427, A>G on the plus strand (T>C on the coding strand, the complement: LRBA is on the minus strand). VCF-style: chr4-150828427-A-G. GRCh37 (hg19) VCF-style: chr4-151749579-A-G.
Other names: c.4924T>C, p.Ser1642Pro (NM_001199282.3, NM_001367550.1, NM_006726.5); short protein forms S1642P.
Identifiers: ClinVar variation 2060187 (VCV002060187.4), dbSNP rs2546422514, ClinGen allele CA358443956.